The following is an entry in ClinVar:

ClinVar aggregate classification (germline): Uncertain significance. Review status: criteria provided, multiple submitters, no conflicts (2 of 4 stars). 2 submissions from 2 submitters: Uncertain significance (2). Last evaluated 2025-06-18.

Conditions:
Dilated cardiomyopathy 1G (CMD1G). Identifiers: Orphanet 154, MedGen C1858763, MONDO:0011400, OMIM 604145.
Autosomal recessive limb-girdle muscular dystrophy type 2J (LGMDR10). Also called: Limb-girdle muscular dystrophy, type 2J; MUSCULAR DYSTROPHY, LIMB-GIRDLE, AUTOSOMAL RECESSIVE 10. Identifiers: Orphanet 140922, MedGen C1837342, MONDO:0012127, OMIM 608807.

Allele frequency attached by ClinVar (database versions not stated): gnomAD exomes below 0.00001; ExAC 0.00001.
gnomAD v4.1: 1 of 1,613,700 alleles (0.000062%); highest among the groups gnomAD compares: Non-Finnish European, 0.000085%; no homozygotes.

Submissions (2):

Labcorp Genetics (formerly Invitae), Labcorp
Classification: Uncertain significance for Dilated cardiomyopathy 1G; Autosomal recessive limb-girdle muscular dystrophy type 2J. Last evaluated: 2025-06-18. Review status: criteria provided, single submitter. Criteria: Invitae Variant Classification Sherloc (09022015). Collection method: clinical testing. Allele origin: germline.
Comment: This sequence change replaces tyrosine, which is neutral and polar, with histidine, which is basic and polar, at codon 34819 of the TTN protein (p.Tyr34819His). This variant is not present in population databases (gnomAD no frequency). This variant has not been reported in the literature in individuals affected with TTN-related conditions. ClinVar contains an entry for this variant (Variation ID: 1315440). Experimental studies and prediction algorithms are not available or were not evaluated, and the functional significance of this variant is currently unknown. This variant is located in the M band of TTN (PMID: 25589632). Non-truncating variants in this region may be relevant for neuromuscular disorders, but have not been definitively shown to cause cardiomyopathy (PMID: 23975875). In summary, the available evidence is currently insufficient to determine the role of this variant in disease. Therefore, it has been classified as a Variant of Uncertain Significance.

GeneDx
Classification: Uncertain significance. Last evaluated: 2020-02-18. Review status: criteria provided, single submitter. Criteria: GeneDx Variant Classification Process June 2021. Collection method: clinical testing. Allele origin: germline. Affected: yes.
Comment: Not observed in large population cohorts (Lek et al., 2016); Missense variant in a gene in which most reported pathogenic variants are truncating/loss-of-function; Has not been previously published as pathogenic or benign to our knowledge

Literature cited by the submitters: PubMed 25589632 (cited by Labcorp Genetics (formerly Invitae), Labcorp); PubMed 23975875 (cited by Labcorp Genetics (formerly Invitae), Labcorp).

NM_001267550.2(TTN):c.104455T>C (p.Tyr34819His)

Genes: TTN-AS1 (TTN antisense RNA 1; plus strand), TTN (titin; minus strand). Cytogenetic location: 2q31.2.
Variant type: single nucleotide variant.
Coding change: c.104455T>C on transcript NM_001267550.2 (MANE Select); coding-DNA position 104455, T replaced by C.
Protein change: p.Tyr34819His; replaces tyrosine 34819 with histidine.
Molecular consequence: missense variant.
Genome position (GRCh38, 1-based): chr2:178,532,160, A>G on the plus strand (T>C on the coding strand, the complement: TTN is on the minus strand). VCF-style: chr2-178532160-A-G. GRCh37 (hg19) VCF-style: chr2-179396887-A-G.
Other names: c.99532T>C, p.Tyr33178His (NM_001256850.1); c.77260T>C, p.Tyr25754His (NM_003319.4); c.96751T>C, p.Tyr32251His (NM_133378.4); c.77635T>C, p.Tyr25879His (NM_133432.3); c.77836T>C, p.Tyr25946His (NM_133437.4); short protein forms Y25754H, Y25879H, Y25946H, Y32251H, Y33178H, Y34819H.
Identifiers: ClinVar variation 1315440 (VCV001315440.6), dbSNP rs1553488294, ClinGen allele CA1985424.